The following is an entry in ClinVar:

ClinVar aggregate classification (germline): Uncertain significance (1 of 4 stars; one submission).

Conditions:
Cardiovascular phenotype. Identifiers: MedGen CN230736.

gnomAD v4.1: 1 of 1,611,818 alleles (0.000062%); highest among the groups gnomAD compares: Non-Finnish European, 0.000085%; no homozygotes.

Submission:

Ambry Genetics
Classification: Uncertain significance for Cardiovascular phenotype. Last evaluated: 2024-12-17. Review status: criteria provided, single submitter. Criteria: Ambry Variant Classification Scheme 2023. Collection method: clinical testing. Allele origin: germline.
Comment: The c.9109+5G>A intronic variant results from a G to A substitution 5 nucleotides after coding exon 25 in the TNXB gene. This nucleotide position is highly conserved in available vertebrate species. In silico splice site analysis predicts that this alteration may result in the creation or strengthening of a novel splice donor site. Based on the available evidence, the clinical significance of this variant remains unclear.

NM_001365276.2(TNXB):c.9115+5G>A

Gene: TNXB (tenascin XB; minus strand). Cytogenetic location: 6p21.33.
Variant type: single nucleotide variant.
Coding change: c.9115+5G>A on transcript NM_001365276.2 (MANE Select); 5 bases into the intron after coding-DNA position 9115, G replaced by A.
Molecular consequence: intron variant.
Genome position (GRCh38, 1-based): chr6:32,052,665, C>T on the plus strand (G>A on the coding strand, the complement: TNXB is on the minus strand). VCF-style: chr6-32052665-C-T. GRCh37 (hg19) VCF-style: chr6-32020442-C-T.
Other names: c.9109+5G>A (NM_019105.8); c.9856+5G>A (NM_001428335.1).
Identifiers: ClinVar variation 3809310 (VCV003809310.1).